The following is an entry in ClinVar:

ClinVar aggregate classification (germline): Likely benign (1 of 4 stars; one submission).

Allele frequency attached by ClinVar (database versions not stated): gnomAD 0.01102 and 0.01173; TOPMed 0.01268; 1000 Genomes Project 0.01338; 1000 Genomes Project 30x 0.01499.
gnomAD v4.1: 1,658 of 152,038 alleles (1.1%); highest among the groups gnomAD compares: African/African-American, 3.8%; 27 homozygotes.

Submission:

GeneDx
Classification: Likely benign. Last evaluated: 2018-06-19. Review status: criteria provided, single submitter. Criteria: GeneDx Variant Classification (06012015). Collection method: clinical testing. Allele origin: germline. Affected: yes.
Comment: This variant is considered likely benign or benign based on one or more of the following criteria: it is a conservative change, it occurs at a poorly conserved position in the protein, it is predicted to be benign by multiple in silico algorithms, and/or has population frequency not consistent with disease.

NM_001042432.2(CLN3):c.126-211A>T

Gene: CLN3 (CLN3 lysosomal/endosomal transmembrane protein, battenin; minus strand). Cytogenetic location: 16p12.1.
Variant type: single nucleotide variant.
Coding change: c.126-211A>T on transcript NM_001042432.2 (MANE Select); 211 bases into the intron before coding-DNA position 126, A replaced by T.
Molecular consequence: intron variant.
Genome position (GRCh38, 1-based): chr16:28,489,597, T>A on the plus strand (A>T on the coding strand, the complement: CLN3 is on the minus strand). VCF-style: chr16-28489597-T-A. GRCh37 (hg19) VCF-style: chr16-28500918-T-A.
Other names: c.-37-211A>T (NM_001286109.2, NM_001286110.2); c.126-211A>T (NM_001286104.2, NM_000086.2); c.-95-211A>T (NM_001286105.2).
Identifiers: ClinVar variation 677581 (VCV000677581.1), dbSNP rs148584815, ClinGen allele CA279786772.